The following is an entry in ClinVar:

NM_018942.3(HMX1):c.395-3C>T

Gene: HMX1 (H6 family homeobox 1; minus strand). Cytogenetic location: 4p16.1.
Variant type: single nucleotide variant.
Coding change: c.395-3C>T on transcript NM_018942.3 (MANE Select); 3 bases into the intron before coding-DNA position 395, C replaced by T.
Molecular consequence: intron variant.
Genome position (GRCh38, 1-based): chr4:8,868,348, G>A on the plus strand (C>T on the coding strand, the complement: HMX1 is on the minus strand). VCF-style: chr4-8868348-G-A. GRCh37 (hg19) VCF-style: chr4-8870074-G-A.
Other names: c.394+2873C>T (NM_001306142.2).
Identifiers: ClinVar variation 1503574 (VCV001503574.3), dbSNP rs985859653, ClinGen allele CA2573138329.

ClinVar aggregate classification (germline): Uncertain significance (1 of 4 stars; one submission).

Allele frequency attached by ClinVar (database versions not stated): gnomAD exomes 0.00002.
gnomAD v4.1: 22 of 1,370,488 alleles (0.0016%); highest among the groups gnomAD compares: Non-Finnish European, 0.0021%; no homozygotes.

Submission:

Labcorp Genetics (formerly Invitae), Labcorp
Classification: Uncertain significance. Last evaluated: 2022-10-04. Review status: criteria provided, single submitter. Criteria: Invitae Variant Classification Sherloc (09022015). Collection method: clinical testing. Allele origin: germline.
Comment: This sequence change falls in intron 1 of the HMX1 gene. It does not directly change the encoded amino acid sequence of the HMX1 protein. It affects a nucleotide within the consensus splice site. This variant is not present in population databases (gnomAD no frequency). This variant has not been reported in the literature in individuals affected with HMX1-related conditions. ClinVar contains an entry for this variant (Variation ID: 1503574). Variants that disrupt the consensus splice site are a relatively common cause of aberrant splicing (PMID: 17576681, 9536098). Algorithms developed to predict the effect of sequence changes on RNA splicing suggest that this variant is not likely to affect RNA splicing. In summary, the available evidence is currently insufficient to determine the role of this variant in disease. Therefore, it has been classified as a Variant of Uncertain Significance.

Literature cited by the submitters: PubMed 17576681; PubMed 9536098.